The following is an entry in ClinVar:

ClinVar aggregate classification (germline): Uncertain significance. Review status: criteria provided, multiple submitters, no conflicts (2 of 4 stars). 2 submissions from 2 submitters: Uncertain significance (2). Last evaluated 2024-04-12.

Conditions:
Inborn genetic diseases. Identifiers: MedGen C0950123, MeSH D030342.
Deficiency of ferroxidase (ACEP). Also called: Aceruloplasminemia; NEURODEGENERATION WITH BRAIN IRON ACCUMULATION 10; Deficiency of ceruloplasmin; Ceruloplasmin deficiency; Familial apoceruloplasmin deficiency; Hereditary ceruloplasmin deficiency. Identifiers: Orphanet 48818, MedGen C0878682, MONDO:0011426, OMIM 604290, HP:0025498.

Allele frequency attached by ClinVar (database versions not stated): gnomAD exomes 0.00001 and 0.00003; gnomAD 0.00003 and 0.00005; ExAC 0.00005; TOPMed 0.00005; 1000 Genomes Project 30x 0.00031; 1000 Genomes Project 0.00040.
gnomAD v4.1: 27 of 1,613,930 alleles (0.0017%); highest among the groups gnomAD compares: Admixed American, 0.005%; no homozygotes.

Submissions (2):

Ambry Genetics
Classification: Uncertain significance for Inborn genetic diseases. Last evaluated: 2024-04-12. Review status: criteria provided, single submitter. Criteria: Ambry Variant Classification Scheme 2023. Collection method: clinical testing. Allele origin: germline.

Labcorp Genetics (formerly Invitae), Labcorp
Classification: Uncertain significance for Deficiency of ferroxidase. Last evaluated: 2022-04-02. Review status: criteria provided, single submitter. Criteria: Invitae Variant Classification Sherloc (09022015). Collection method: clinical testing. Allele origin: germline.
Comment: This sequence change replaces proline, which is neutral and non-polar, with leucine, which is neutral and non-polar, at codon 87 of the CP protein (p.Pro87Leu). This variant is present in population databases (rs200823208, gnomAD 0.005%). This variant has not been reported in the literature in individuals affected with CP-related conditions. Advanced modeling of protein sequence and biophysical properties (such as structural, functional, and spatial information, amino acid conservation, physicochemical variation, residue mobility, and thermodynamic stability) performed at Invitae indicates that this missense variant is expected to disrupt CP protein function. In summary, the available evidence is currently insufficient to determine the role of this variant in disease. Therefore, it has been classified as a Variant of Uncertain Significance.

NM_000096.4(CP):c.260C>T (p.Pro87Leu)

Gene: CP (ceruloplasmin; minus strand). Cytogenetic location: 3q25.1.
Variant type: single nucleotide variant.
Coding change: c.260C>T on transcript NM_000096.4 (MANE Select); coding-DNA position 260, C replaced by T.
Protein change: p.Pro87Leu; replaces proline 87 with leucine.
Molecular consequence: missense variant. On other transcripts: non-coding transcript variant (1).
Genome position (GRCh38, 1-based): chr3:149,212,585, G>A on the plus strand (C>T on the coding strand, the complement: CP is on the minus strand). VCF-style: chr3-149212585-G-A. GRCh37 (hg19) VCF-style: chr3-148930372-G-A.
Other names: c.260C>T (NM_000096.3); short protein forms P87L.
Identifiers: ClinVar variation 1470883 (VCV001470883.4), dbSNP rs200823208, ClinGen allele CA2661355.